The following is an entry in ClinVar:

NM_020754.4(ARHGAP31):c.3199A>G (p.Ser1067Gly)

Gene: ARHGAP31 (Rho GTPase activating protein 31; plus strand). Cytogenetic location: 3q13.33.
Variant type: single nucleotide variant.
Coding change: c.3199A>G on transcript NM_020754.4 (MANE Select); coding-DNA position 3199, A replaced by G.
Protein change: p.Ser1067Gly; replaces serine 1067 with glycine.
Molecular consequence: missense variant.
Genome position (GRCh38, 1-based): chr3:119,415,128, A>G. VCF-style: chr3-119415128-A-G. GRCh37 (hg19) VCF-style: chr3-119133975-A-G.
Other names: short protein forms S1067G.
Identifiers: ClinVar variation 1806229 (VCV001806229.1), dbSNP rs2080762163, ClinGen allele CA354055106.

ClinVar aggregate classification (germline): Uncertain significance (1 of 4 stars; one submission).

Conditions:
Adams-Oliver syndrome 1 (AOS1). Also called: ABSENCE DEFECT OF LIMBS, SCALP, AND SKULL; CONGENITAL SCALP DEFECTS WITH DISTAL LIMB REDUCTION ANOMALIES; APLASIA CUTIS CONGENITA WITH TERMINAL TRANSVERSE LIMB DEFECTS. Identifiers: Orphanet 974, MedGen C4551482, MONDO:0024506, OMIM 100300.

Allele frequency attached by ClinVar (database versions not stated): gnomAD exomes below 0.00001; gnomAD 0.00001.

Submission:

Victorian Clinical Genetics Services, Murdoch Childrens Research Institute
Classification: Uncertain significance for Adams-Oliver syndrome 1. Last evaluated: 2019-08-28. Review status: criteria provided, single submitter. Criteria: ACMG Guidelines, 2015. Collection method: clinical testing. Allele origin: germline. Inheritance: Autosomal dominant inheritance. Affected: yes.
Comment: A heterozygous missense variant was identified, NM_020754.3(ARHGAP31):c.3199A>G in exon 12 of 12 of the ARHGAP31 gene. This substitution is predicted to create a minor amino acid change from serine to glycine at position 1067 of the protein, NP_065805.2(ARHGAP31):p.(Ser1067Gly). The serine at this position has low conservation (100 vertebrates, UCSC), and is not situated in a known functional domain. In silico software predicts this variant to be benign (Polyphen, SIFT, CADD, Mutation Taster). The variant is not present in the gnomAD population database. Based on information available at the time of curation, this variant has been classified as a VARIANT of UNCERTAIN SIGNIFICANCE (VUS) with LOW CLINICAL RELEVANCE.